The following is an entry in ClinVar:

ClinVar aggregate classification (germline): Uncertain significance (1 of 4 stars; one submission).

Conditions:
Hereditary cancer-predisposing syndrome. Also called: Neoplastic Syndromes, Hereditary; Hereditary Cancer Syndrome; Hereditary neoplastic syndrome; Tumor predisposition. Identifiers: Orphanet 140162, MedGen C0027672, MeSH D009386, MONDO:0015356.

Submission:

Ambry Genetics
Classification: Uncertain significance for Hereditary cancer-predisposing syndrome. Last evaluated: 2023-06-01. Review status: criteria provided, single submitter. Criteria: Ambry Variant Classification Scheme 2023. Collection method: clinical testing. Allele origin: germline.
Comment: The p.L475F variant (also known as c.1423C>T), located in coding exon 9 of the RAD50 gene, results from a C to T substitution at nucleotide position 1423. The leucine at codon 475 is replaced by phenylalanine, an amino acid with highly similar properties. This amino acid position is conserved. In addition, this alteration is predicted to be tolerated by in silico analysis. Since supporting evidence is limited at this time, the clinical significance of this alteration remains unclear.

NM_005732.4(RAD50):c.1423C>T (p.Leu475Phe)

Gene: RAD50 (RAD50 double strand break repair protein; plus strand). Cytogenetic location: 5q31.1.
Variant type: single nucleotide variant.
Coding change: c.1423C>T on transcript NM_005732.4 (MANE Select); coding-DNA position 1423, C replaced by T.
Protein change: p.Leu475Phe; replaces leucine 475 with phenylalanine.
Molecular consequence: missense variant.
Genome position (GRCh38, 1-based): chr5:132,589,808, C>T. VCF-style: chr5-132589808-C-T. GRCh37 (hg19) VCF-style: chr5-131925500-C-T.
Other names: short protein forms L475F.
Identifiers: ClinVar variation 2560924 (VCV002560924.2), dbSNP rs867459964, ClinGen allele CA360944840.